The following is an entry in ClinVar:

ClinVar aggregate classification (germline): Uncertain significance (0 of 4 stars; one submission).

Allele frequency attached by ClinVar (database versions not stated): gnomAD exomes below 0.00001.
gnomAD v4.1: 1 of 1,614,164 alleles (0.000062%); highest among the groups gnomAD compares: South Asian, 0.0011%; no homozygotes.

Submission:

Richard Lifton Laboratory, Yale University School of Medicine
Classification: Uncertain significance. Review status: no assertion criteria provided. Collection method: not provided. Allele origin: somatic.
Comment: PCDHA2
ClinVar note: Converted during submission from unknown to Uncertain significance.

NM_018905.3(PCDHA2):c.1010C>A (p.Ser337Ter)

Genes: PCDHA1 (protocadherin alpha 1; plus strand), PCDHA2 (protocadherin alpha 2; plus strand), PCDHA@ (protocadherin alpha cluster, complex locus; plus strand). Cytogenetic location: 5q31.3.
Variant type: single nucleotide variant.
Coding change: c.1010C>A on transcript NM_018905.3 (MANE Select); coding-DNA position 1010, C replaced by A.
Protein change: p.Ser337Ter; replaces serine 337 with a stop codon.
Molecular consequence: nonsense. On other transcripts: intron variant (2).
Genome position (GRCh38, 1-based): chr5:140,795,974, C>A. VCF-style: chr5-140795974-C-A. GRCh37 (hg19) VCF-style: chr5-140175559-C-A.
Other names: c.1010C>A, p.Ser337Ter (NM_031495.2, NM_031496.2); c.2394+7290C>A (NM_018900.4); c.1602+8082C>A (NM_031411.3); short protein forms S337*.
Identifiers: ClinVar variation 92002 (VCV000092002.2), dbSNP rs386352344, ClinGen allele CA232328.
Genomic context (GRCh38, chr5:140,795,974, plus strand): 5'-AGATTCAGGTCACTGCAACTGACAAAGGAACCCCTTCAATGTCAGGACATTGTAAAATTT[C>A]ATTAAAACTTGTGGACATCAATGATAACACACCAGAAGTCTCAATAACGTCTCTCTCACT-3'